The following is an entry in ClinVar:

NM_001035.3(RYR2):c.11647-5C>T

Gene: RYR2 (ryanodine receptor 2; plus strand). Cytogenetic location: 1q43.
Variant type: single nucleotide variant.
Coding change: c.11647-5C>T on transcript NM_001035.3 (MANE Select); 5 bases into the intron before coding-DNA position 11647, C replaced by T.
Molecular consequence: intron variant.
Genome position (GRCh38, 1-based): chr1:237,773,515, C>T. VCF-style: chr1-237773515-C-T. GRCh37 (hg19) VCF-style: chr1-237936815-C-T.
Other names: c.11647-5C>T (LRG_402t1).
Identifiers: ClinVar variation 532413 (VCV000532413.14), dbSNP rs1470967404, ClinGen allele CA529563872.

ClinVar aggregate classification (germline): Conflicting classifications of pathogenicity. Review status: criteria provided, conflicting classifications (1 of 4 stars). 3 submissions from 3 submitters: Uncertain significance (1); Likely benign (2). Last evaluated 2026-03-25.

Conditions:
Catecholaminergic polymorphic ventricular tachycardia (CVPT). Also called: Catecholamine-induced polymorphic ventricular tachycardia. Identifiers: Orphanet 3286, MedGen C5574922, MONDO:0017990.
Cardiovascular phenotype. Identifiers: MedGen CN230736.
Catecholaminergic polymorphic ventricular tachycardia 1. Also called: VENTRICULAR TACHYCARDIA, STRESS-INDUCED POLYMORPHIC 1; VENTRICULAR TACHYCARDIA, CATECHOLAMINERGIC POLYMORPHIC, 1, WITH OR WITHOUT ATRIAL DYSFUNCTION AND/OR DILATED CARDIOMYOPATHY; RYR2-Related Catecholaminergic Polymorphic Ventricular Tachycardia. Identifiers: Orphanet 3286, MedGen C1631597, MONDO:0011484, OMIM 604772.

Allele frequency attached by ClinVar (database versions not stated): gnomAD exomes below 0.00001; gnomAD 0.00001; TOPMed 0.00001.
gnomAD v4.1: 3 of 1,572,978 alleles (0.00019%); highest among the groups gnomAD compares: Non-Finnish European, 0.00026%; no homozygotes.

Submissions (3):

Ambry Genetics
Classification: Uncertain significance for Cardiovascular phenotype. Last evaluated: 2026-03-25. Review status: criteria provided, single submitter. Criteria: Ambry Variant Classification Scheme 2023. Collection method: clinical testing. Allele origin: germline.
Comment: The c.11647-5C>T intronic variant results from a C to T substitution 5 nucleotides before coding exon 87 in the RYR2 gene. This nucleotide position is poorly conserved in available vertebrate species. In silico splice site analysis predicts that this alteration will not have any significant effect on splicing. Based on the available evidence, the clinical significance of this variant remains unclear.

Labcorp Genetics (formerly Invitae), Labcorp
Classification: Likely benign for Catecholaminergic polymorphic ventricular tachycardia 1. Last evaluated: 2024-02-23. Review status: criteria provided, single submitter. Criteria: Invitae Variant Classification Sherloc (09022015). Collection method: clinical testing. Allele origin: germline.

All of Us Research Program, National Institutes of Health
Classification: Likely benign for Catecholaminergic polymorphic ventricular tachycardia. Last evaluated: 2023-04-03. Review status: criteria provided, single submitter. Criteria: ACMG Guidelines, 2015. Collection method: clinical testing. Allele origin: germline. Inheritance: Autosomal dominant inheritance. Observed: 1 variant allele, 1 heterozygote.
Comment: This study involves interpretation of variants in research participants for the purpose of population health screening. Participant phenotype was not available at the time of variant classification. Additional details can be found in publication PMID: 35346344, PMCID: PMC8962531